The following is an entry in ClinVar:

NM_005412.6(SHMT2):c.1133A>G (p.Asp378Gly)

Gene: SHMT2 (serine hydroxymethyltransferase 2; plus strand). Cytogenetic location: 12q13.3.
Variant type: single nucleotide variant.
Coding change: c.1133A>G on transcript NM_005412.6 (MANE Select); coding-DNA position 1133, A replaced by G.
Protein change: p.Asp378Gly; replaces aspartic acid 378 with glycine.
Molecular consequence: missense variant. On other transcripts: non-coding transcript variant (4).
Genome position (GRCh38, 1-based): chr12:57,233,758, A>G. VCF-style: chr12-57233758-A-G. GRCh37 (hg19) VCF-style: chr12-57627541-A-G.
Other names: c.1103A>G, p.Asp368Gly (NM_001166356.2); c.1070A>G, p.Asp357Gly (NM_001166357.1, NM_001166358.2, NM_001166359.1); c.1133A>G (NM_005412.5); short protein forms D357G, D368G, D378G.
Identifiers: ClinVar variation 1065620 (VCV001065620.5), dbSNP rs766445638, ClinGen allele CA6646591.

ClinVar aggregate classification (germline): Conflicting classifications of pathogenicity. Review status: criteria provided, conflicting classifications (1 of 4 stars). 2 submissions from 2 submitters: Likely pathogenic (1); Uncertain significance (1). Last evaluated 2023-05-19.

Conditions:
SHMT2-related disorder. Also called: SHMT2-related condition.
Neurodevelopmental disorder with cardiomyopathy, spasticity, and brain abnormalities. Identifiers: MedGen C5436848, MONDO:0030866, OMIM 619121.

Allele frequency attached by ClinVar (database versions not stated): gnomAD exomes below 0.00001 and 0.00001; ExAC 0.00002.
gnomAD v4.1: 5 of 1,614,196 alleles (0.00031%); highest among the groups gnomAD compares: South Asian, 0.0044%; no homozygotes.

Submissions (2):

PreventionGenetics, part of Exact Sciences
Classification: Uncertain significance for SHMT2-related condition. Last evaluated: 2023-05-19. Review status: criteria provided, single submitter. Criteria: ACMG Guidelines, 2015. Collection method: clinical testing. Allele origin: germline.
Comment: The SHMT2 c.1133A>G variant is predicted to result in the amino acid substitution p.Asp378Gly. To our knowledge, this variant has not been reported in the literature. This variant is reported in 0.0098% of alleles in individuals of South Asian descent in gnomAD. At this time, the clinical significance of this variant is uncertain due to the absence of conclusive functional and genetic evidence.

Kasturba Medical College, Manipal, Kasturba Medical College, Manipal, Manipal Academy of Higher Education, Manipal, India
Classification: Likely pathogenic for Neurodevelopmental disorder with cardiomyopathy, spasticity, and brain abnormalities. Last evaluated: 2020-10-07. Review status: criteria provided, single submitter. Criteria: ACMG Guidelines, 2015. Collection method: clinical testing. Allele origin: inherited. Inheritance: Autosomal recessive inheritance. Affected: yes. Observed: 3 variant alleles.